The following is an entry in ClinVar:

NM_000937.5(POLR2A):c.6C>G (p.His2Gln)

Gene: POLR2A (RNA polymerase II subunit A; plus strand). Cytogenetic location: 17p13.1.
Variant type: single nucleotide variant.
Coding change: c.6C>G on transcript NM_000937.5 (MANE Select); coding-DNA position 6, C replaced by G.
Protein change: p.His2Gln; replaces histidine 2 with glutamine.
Molecular consequence: missense variant.
Genome position (GRCh38, 1-based): chr17:7,484,770, C>G. VCF-style: chr17-7484770-C-G. GRCh37 (hg19) VCF-style: chr17-7388089-C-G.
Other names: short protein forms H2Q.
Identifiers: ClinVar variation 3390531 (VCV003390531.1).

ClinVar aggregate classification (germline): Uncertain significance (1 of 4 stars; one submission).

Submission:

GeneDx
Classification: Uncertain significance. Last evaluated: 2024-06-14. Review status: criteria provided, single submitter. Criteria: GeneDx Variant Classification Process June 2021. Collection method: clinical testing. Allele origin: germline. Affected: yes.
Comment: Not observed at significant frequency in large population cohorts (gnomAD); In silico analysis supports that this missense variant has a deleterious effect on protein structure/function; Has not been previously published as pathogenic or benign to our knowledge